The following is an entry in ClinVar:

ClinVar aggregate classification (germline): Uncertain significance (1 of 4 stars; one submission).

Conditions:
Tay-Sachs disease (TSD). Also called: Hexosaminidase A Deficiency; HEXA DEFICIENCY; HEXA Disorders; GM2 gangliosidosis, type 1; Hexosaminidase alpha-subunit deficiency (variant B); Sphingolipidosis, Tay-Sachs. Identifiers: Orphanet 845, MedGen C0039373, MONDO:0010100, OMIM 272800.

Submission:

Labcorp Genetics (formerly Invitae), Labcorp
Classification: Uncertain significance for Tay-Sachs disease. Last evaluated: 2021-08-14. Review status: criteria provided, single submitter. Criteria: Invitae Variant Classification Sherloc (09022015). Collection method: clinical testing. Allele origin: germline.
Comment: This sequence change replaces proline with arginine at codon 56 of the HEXA protein (p.Pro56Arg). The proline residue is moderately conserved and there is a moderate physicochemical difference between proline and arginine. This variant is not present in population databases (ExAC no frequency). This variant has not been reported in the literature in individuals affected with HEXA-related conditions. Algorithms developed to predict the effect of missense changes on protein structure and function are either unavailable or do not agree on the potential impact of this missense change (SIFT: "Tolerated"; PolyPhen-2: "Possibly Damaging"; Align-GVGD: "Class C0"). In summary, the available evidence is currently insufficient to determine the role of this variant in disease. Therefore, it has been classified as a Variant of Uncertain Significance.

NM_000520.6(HEXA):c.167C>G (p.Pro56Arg)

Gene: HEXA (hexosaminidase subunit alpha; minus strand). Cytogenetic location: 15q23.
Variant type: single nucleotide variant.
Coding change: c.167C>G on transcript NM_000520.6 (MANE Select); coding-DNA position 167, C replaced by G.
Protein change: p.Pro56Arg; replaces proline 56 with arginine.
Molecular consequence: missense variant. On other transcripts: non-coding transcript variant (1).
Genome position (GRCh38, 1-based): chr15:72,375,806, G>C on the plus strand (C>G on the coding strand, the complement: HEXA is on the minus strand). VCF-style: chr15-72375806-G-C. GRCh37 (hg19) VCF-style: chr15-72668147-G-C.
Other names: c.167C>G, p.Pro56Arg (NM_001318825.2); short protein forms P56R.
Identifiers: ClinVar variation 1906122 (VCV001906122.2), dbSNP rs955535343, ClinGen allele CA393070312.